The following is an entry in ClinVar:

ClinVar aggregate classification (germline): Conflicting classifications of pathogenicity. Review status: criteria provided, conflicting classifications (1 of 4 stars). 20 submissions from 19 submitters: Likely pathogenic (3); Uncertain significance (12); Likely benign (2). 3 of the submissions do not count toward it. Last evaluated 2026-09-01.

Conditions:
CDH23-related disorder. Also called: CDH23-related disorders; CDH23-related condition.
Rare genetic deafness. Identifiers: Orphanet 96210, MedGen C5680250.
Neurodevelopmental abnormality. Identifiers: MedGen C4022737, HP:0012759.
Pituitary adenoma 5, multiple types. Identifiers: MedGen C4539685, MONDO:0054601, OMIM 617540.
Retinal dystrophy. Also called: Inherited retinal dystrophy. Identifiers: Orphanet 71862, MedGen C0854723, MeSH D058499, MONDO:0019118, HP:0000556.
Autosomal recessive nonsyndromic hearing loss 12. Also called: DEAFNESS, AUTOSOMAL RECESSIVE 12. Identifiers: Orphanet 90636, MedGen C1832394, MONDO:0011067, OMIM 601386.
Usher syndrome type 1D (USH1D). Also called: USHER SYNDROME, TYPE ID. Identifiers: Orphanet 231169, Orphanet 886, MedGen C1832845, MONDO:0010984, OMIM 601067.
Retinitis pigmentosa-deafness syndrome. Also called: RETINITIS PIGMENTOSA 21; RETINITIS PIGMENTOSA 8; Retinitis pigmentosa 8, formerly; RP8, formerly; Retinitis pigmentosa 21, formerly; RP21, formerly. Identifiers: MedGen C5779620, MONDO:0010775, OMIM 500004.

Allele frequency attached by ClinVar (database versions not stated): gnomAD exomes 0.00067 and 0.00071; TOPMed 0.00082; 1000 Genomes Project 0.00020; gnomAD 0.00057 and 0.00059; ESP Exome Variant Server 0.00064; ExAC 0.00138; 1000 Genomes Project 30x 0.00047.
gnomAD v4.1: 1,098 of 1,600,450 alleles (0.069%); highest among the groups gnomAD compares: Middle Eastern, 0.12%; 1 homozygote.

Submissions 1 to 12 of 20:

CeGaT Center for Human Genetics Tuebingen
Classification: Likely pathogenic. Last evaluated: 2026-09-01. Review status: criteria provided, single submitter. Criteria: CeGaT Center For Human Genetics Tuebingen Variant Classification Criteria Version 2. Collection method: clinical testing. Allele origin: germline. Affected: yes. Observed: 2 variant alleles.
Comment: CDH23: PM3:Very Strong, PM2:Supporting

PreventionGenetics, part of Exact Sciences
Classification: Uncertain significance for CDH23-related condition. Last evaluated: 2026-07-23. Review status: criteria provided, single submitter. Criteria: ACMG Guidelines, 2015. Collection method: clinical testing. Allele origin: germline.
Comment: The CDH23 c.7823G>A variant is predicted to result in the amino acid substitution p.Arg2608His. This variant has been reported with a second CDH23 variant in individuals with CDH23-related disorders (see for example: Astuto et al. 2002. PubMed ID: 12075507; Table S5, Colombo et al. 2021. PubMed ID: 33576794; Dhoble et al. 2024. PubMed ID: 39092760). However, it has also been reported in the homozygous state and considered not clinically relevant in an individual with retinal dystrophy who carried a homozygous, well-studied pathogenic variant in ABCA4 (p.Arg602Trp, Ortube et al. 2014. PubMed ID: 24444108). This variant is reported in 0.10% of alleles in individuals of European (non-Finnish) descent in gnomAD, including one homozygous individual in the most recent dataset. Although we suspect that this variant may be benign, at this time, the clinical significance of this variant is uncertain due to the absence of conclusive functional and genetic evidence.

Labcorp Genetics (formerly Invitae), Labcorp
Classification: Likely benign. Last evaluated: 2026-01-25. Review status: criteria provided, single submitter. Criteria: Invitae Variant Classification Sherloc (09022015). Collection method: clinical testing. Allele origin: germline.

Women's Health and Genetics/Laboratory Corporation of America, LabCorp
Classification: Uncertain significance. Last evaluated: 2025-06-23. Review status: criteria provided, single submitter. Criteria: LabCorp Variant Classification Summary - May 2015. Collection method: clinical testing. Allele origin: germline.
Comment: Variant summary: CDH23 c.7823G>A (p.Arg2608His) results in a non-conservative amino acid change located in the cadherin repeat region (IPR002126) of the encoded protein sequence. Algorithms developed to predict the effect of missense changes on protein structure and function are either unavailable or do not agree on the potential impact of this missense change. The variant allele was found at a frequency of 0.00067 in 224942 control chromosomes. This frequency is not significantly higher than estimated for a pathogenic variant in CDH23 causing Usher Syndrome (0.00067 vs 0.0032), allowing no conclusion about variant significance. c.7823G>A has been observed in compound heterozygous state with a second pathogenic variant (though the phase was not specified in most cases) in individuals affected with Usher Syndrome (Jaijo_2009, Colombo_2021), nonsyndromic hearing loss (Astuto_2002, Wu_2016), and retinal disease (Zampaglione_2022). On the other hand, the variant has been reported in homozygous state in a patient affected with retinal disease (without hearing loss), who carried a homozygous pathogenic variant in another gene, which could explain the phenotype (Ortube_2014). The variant has been also reported in heterozygosity in affected individuals without detected second allele variant (Fuster-Garcia_2018, Mansard_2021, Wu_2016, Sloan-Heggen_2016). In one of these cases, co-occurring pathogenic variants could explain the phenotype (Mansard_2021). In many of the reported cases, the CDH23 gene was not completely sequenced, or other genes and large rearrangements were not assessed, thus these reports do not provide conclusive evidence for causality. To our knowledge, no experimental evidence demonstrating an impact on protein function has been reported. The following publications have been ascertained in the context of this evaluation (PMID: 12075507, 27018795, 26969326, 19683999, 30459346, 33576794, 34948090, 24444108, 36460718, 34906470). ClinVar contains an entry for this variant (Variation ID: 46040). Based on the evidence outlined above, the variant was classified as uncertain significance.

Blueprint Genetics
Classification: Uncertain significance. Last evaluated: 2024-09-19. Review status: criteria provided, single submitter. Criteria: ACMG Guidelines, 2015. Collection method: clinical testing. Allele origin: germline.

Baylor Genetics
Classification: Uncertain significance for Pituitary adenoma 5, multiple types. Last evaluated: 2023-07-06. Review status: criteria provided, single submitter. Criteria: ACMG Guidelines, 2015. Collection method: clinical testing. Allele origin: unknown.

Institute of Human Genetics, Univ. Regensburg, Univ. Regensburg
Classification: Likely pathogenic for Retinal dystrophy. Last evaluated: 2023-01-01. Review status: criteria provided, single submitter. Criteria: ACMG Guidelines, 2015. Collection method: clinical testing. Allele origin: germline. Affected: yes.

Revvity Omics, Revvity
Classification: Uncertain significance. Last evaluated: 2022-08-11. Review status: criteria provided, single submitter. Criteria: ACMG Guidelines, 2015. Collection method: clinical testing. Allele origin: germline.

Laboratory for Molecular Medicine, Mass General Brigham Personalized Medicine
Classification: Uncertain significance for Rare genetic deafness. Last evaluated: 2022-06-23. Review status: criteria provided, single submitter. Criteria: ACMG Guidelines, 2015. Collection method: clinical testing. Allele origin: germline.
Comment: The p.Arg2608His variant in CDH23 has been reported in 0.1% (7/6982) of chromosomes from probands with either hearing loss or Usher syndrome, at least one of whom had an alternate genetic cause for their disease (Astuto 2002, Jaijo 2010; Malm 2011, LMM data). However, this variant has also been identified in 0.1% (116/115288) of European chromosomes by gnomAD, which suggests that the variant is unlikely to be causative for disease. Computational prediction tools and conservation analysis suggest that this variant may impact the protein, though this information is not predictive enough to determine pathogenicity. In summary, while the clinical significance of p.Arg2608His is uncertain, these data suggest that it is more likely benign. ACMG/AMP criteria: BS1_Supporting, PP3.

UAEU Genomics Laboratory, United Arab Emirates University
Classification: Uncertain significance for Autosomal recessive nonsyndromic hearing loss 12. Last evaluated: 2021-12-21. Review status: criteria provided, single submitter. Criteria: ACMG Guidelines, 2015. Collection method: research. Allele origin: germline. Affected: yes. Observed: 1 variant allele.
Comment: The missense variant NM_022124.6(CDH23):c.7823G>A (p.Arg2608His) has been reported in compound heterozygous state in multiple publications in individuals affected with nonsyndromic deafness (PMID: 12075507, PubMed: 26969326, PMID: 27018795) Usher syndrome (PMID: 33576794, PMID: 19683999) in at least 4 individuals with a likely pathogenic or rare allele (PubMed: 33576794, PMID: 30459346, PMID: 12075507, PubMed: 26969326). This variant was also present in heterozygous state in individuals affected with non-syndromic sensorineural hearing loss (PMID: 30459346, PMID: 27018795). Another variant causing a different amino acid change (p.Arg2608Cys)) has been reported in an individual with nonsyndromic recessive deafness, who also had another variant in the same gene in homozygous state (PubMeD: 26226137). The p.Arg2608His variant is observed in 107/99,932 (0.1071%) alleles from individuals of gnomAD Non Finnish European background in gnomAD database, which is higher than that specified by the hearing loss expert working group (PubMed: 30311386). Computational prediction tools and conservation analysis indicate that this change could be deleterious. Structural modeling studies indicated that this variant affect one of the outward facing residues in the CDH23 extracellular domain and might affect intramolecular hydrogen bonding and cis- dimer formation (PMID: 30033219). In summary, though the variant has been reported frequently patients with disease, the available evidence is insufficient to classify this variant with certainty. For these reasons, this variant has been classified as Uncertain significance.

Institute for Clinical Genetics, University Hospital TU Dresden, University Hospital TU Dresden
Classification: Likely pathogenic. Last evaluated: 2021-11-03. Review status: criteria provided, single submitter. Criteria: ACMG Guidelines, 2015. Collection method: clinical testing. Allele origin: germline.

Genome-Nilou Lab
Classification: Uncertain significance for Autosomal recessive nonsyndromic hearing loss 12. Last evaluated: 2021-07-14. Review status: criteria provided, single submitter. Criteria: ACMG Guidelines, 2015. Collection method: clinical testing. Allele origin: germline. Affected: no.

NM_022124.6(CDH23):c.7823G>A (p.Arg2608His)

Gene: CDH23 (cadherin related 23; plus strand). Cytogenetic location: 10q22.1.
Variant type: single nucleotide variant.
Coding change: c.7823G>A on transcript NM_022124.6 (MANE Select); coding-DNA position 7823, G replaced by A.
Protein change: p.Arg2608His; replaces arginine 2608 with histidine.
Molecular consequence: missense variant.
Genome position (GRCh38, 1-based): chr10:71,803,371, G>A. VCF-style: chr10-71803371-G-A. GRCh37 (hg19) VCF-style: chr10-73563128-G-A.
Other names: c.1103G>A, p.Arg368His (NM_001171933.1, NM_001171934.1); short protein forms R2608H, R368H.
Identifiers: ClinVar variation 46040 (VCV000046040.68), dbSNP rs202052174, ClinGen allele CA261801.